The following is an entry in ClinVar:

GRCh38/hg38 1p36.33(chr1:1482000-1519400)

Genes: ATAD3A (ATPase family AAA domain containing 3A; plus strand), ATAD3B (ATPase family AAA domain containing 3B; plus strand), LOC129388422 (MPRA-validated peak11 silencer; plus strand), LOC129929131 (ATAC-STARR-seq lymphoblastoid silent region 76; plus strand), LOC129929132 (ATAC-STARR-seq lymphoblastoid active region 23; plus strand) and 1 more. Cytogenetic location: 1p36.33.
Variant type: copy number loss.
Identifiers: ClinVar variation 3235907 (VCV003235907.1).

ClinVar aggregate classification (germline): Likely pathogenic (1 of 4 stars; one submission).

Conditions:
Harel-Yoon syndrome (HAYOS). Also called: Optic atrophy-peripheral neuropathy-developmental delay syndrome. Identifiers: Orphanet 496790, MedGen C4310677, MONDO:0014958, OMIM 617183.
Pontocerebellar hypoplasia, hypotonia, and respiratory insufficiency syndrome, neonatal lethal. Also called: PHRINL SYNDROME. Identifiers: Orphanet 615954, MedGen C5394137, MONDO:0032931, OMIM 618810.

Submission:

New York Genome Center
Classification: Likely pathogenic for Harel-Yoon syndrome; Pontocerebellar hypoplasia, hypotonia, and respiratory insufficiency syndrome, neonatal lethal. Last evaluated: 2022-03-31. Review status: criteria provided, single submitter. Criteria: NYGC Assertion Criteria 2020. Collection method: clinical testing. Allele origin: inherited. Affected: yes. Observed: 1 compound heterozygote. Study: PrenatalSEQ.
Comment: The inherited heterozygous 1p36.33 deletion is an approximately 38kb deletion on the short arm of chromosome 1. Genome sequencing data suggests that the telomeric breakpoint of this deletion is in the intron 5 of the ATAD3B gene, and the centromeric breakpoint of the deletion lies in the intron 5 of the ATAD3A gene. ATAD3A (MIM#612316) is associated with autosomal dominant or autosomal recessive Harel-Yoon syndrome (MIM#617183), and autosomal recessive Pontocerebellar hypoplasia, hypotonia, and respiratory insufficiency syndrome, neonatal lethal (MIM#618810). Deletions similar to the one identified here have been identified as homozygous or compound heterozygous copy number variants in affected individuals in the literature [PMID:28549128, 27640307]. One of these studies predicted deletions in this region to lead to a fusion between the ATAD3B and ATAD3A genes [PMID:28549128]. Expression studies in fibroblasts of individuals with similar deletions in homozygous state (specifically individuals S2 and S3; Desai, 2017 [PMID:28549128]) suggest significantly reduced expression of ATAD3A at the mRNA and protein level, most likely due to the ATAD3B-ATAD3A fusion gene being under control of the ATAD3B promoter [PMID:28549128]. Mitochondrial defects were observed in affected patients with this deletion in homozygous state [PMID:28549128]. Based on the available evidence, this ~38kb heterozygous deletion is classified here as Likely Pathogenic.